The following is an entry in ClinVar:

ClinVar aggregate classification (germline): Uncertain significance. Review status: criteria provided, multiple submitters, no conflicts (2 of 4 stars). 3 submissions from 3 submitters: Uncertain significance (3). Last evaluated 2022-12-12.

Conditions:
Inborn genetic diseases. Identifiers: MedGen C0950123, MeSH D030342.
Hawkinsinuria. Identifiers: Orphanet 2118, MedGen C2931042, MONDO:0007700, OMIM 140350, HP:0034457.
Tyrosinemia type III. Also called: Tyrosinemia type 3; 4-alpha hydroxyphenylpyruvic acid oxidase deficiency; 4-alpha hydroxyphenylpyruvate dioxygenase deficiency; 4-Hydroxyphenylpyruvate dioxygenase deficiency; 4-HYDROXYPHENYLPYRUVIC ACID OXIDASE DEFICIENCY. Identifiers: Orphanet 69723, MedGen C0268623, MONDO:0010162, OMIM 276710.

Allele frequency attached by ClinVar (database versions not stated): gnomAD exomes 0.00008; ExAC 0.00009; TOPMed 0.00010; gnomAD 0.00013 and 0.00014; ESP Exome Variant Server 0.00015; 1000 Genomes Project 30x 0.00016; 1000 Genomes Project 0.00020.

Submissions (3):

GeneDx
Classification: Uncertain significance. Last evaluated: 2022-12-12. Review status: criteria provided, single submitter. Criteria: GeneDx Variant Classification Process June 2021. Collection method: clinical testing. Allele origin: germline. Affected: yes.
Comment: In silico analysis, which includes protein predictors and evolutionary conservation, supports a deleterious effect; Has not been previously published as pathogenic or benign to our knowledge; This variant is associated with the following publications: (PMID: 34662886)

Labcorp Genetics (formerly Invitae), Labcorp
Classification: Uncertain significance for Tyrosinemia type III; Hawkinsinuria. Last evaluated: 2022-09-01. Review status: criteria provided, single submitter. Criteria: Invitae Variant Classification Sherloc (09022015). Collection method: clinical testing. Allele origin: germline.
Comment: This sequence change replaces arginine, which is basic and polar, with tryptophan, which is neutral and slightly polar, at codon 111 of the HPD protein (p.Arg111Trp). This variant is present in population databases (rs117839625, gnomAD 0.02%). This variant has not been reported in the literature in individuals affected with HPD-related conditions. ClinVar contains an entry for this variant (Variation ID: 1312276). Algorithms developed to predict the effect of missense changes on protein structure and function are either unavailable or do not agree on the potential impact of this missense change (SIFT: "Deleterious"; PolyPhen-2: "Probably Damaging"; Align-GVGD: "Class C0"). In summary, the available evidence is currently insufficient to determine the role of this variant in disease. Therefore, it has been classified as a Variant of Uncertain Significance.

Ambry Genetics
Classification: Uncertain significance for Inborn genetic diseases. Last evaluated: 2022-02-03. Review status: criteria provided, single submitter. Criteria: Ambry Variant Classification Scheme 2023. Collection method: clinical testing. Allele origin: germline.

NM_002150.3(HPD):c.331C>T (p.Arg111Trp)

Genes: HPD (4-hydroxyphenylpyruvate dioxygenase; minus strand), TIALD (transcript inducer of AURKA lysosomal degradation; plus strand). Cytogenetic location: 12q24.31.
Variant type: single nucleotide variant.
Coding change: c.331C>T on transcript NM_002150.3 (MANE Select); coding-DNA position 331, C replaced by T.
Protein change: p.Arg111Trp; replaces arginine 111 with tryptophan.
Molecular consequence: missense variant.
Genome position (GRCh38, 1-based): chr12:121,854,786, G>A on the plus strand (C>T on the coding strand, the complement: HPD is on the minus strand). VCF-style: chr12-121854786-G-A. GRCh37 (hg19) VCF-style: chr12-122292692-G-A.
Other names: c.214C>T, p.Arg72Trp (NM_001171993.2); short protein forms R111W, R72W.
Identifiers: ClinVar variation 1312276 (VCV001312276.5), dbSNP rs117839625, ClinGen allele CA6839698.